The following is an entry in ClinVar:

ClinVar aggregate classification (germline): Uncertain significance. Review status: criteria provided, multiple submitters, no conflicts (2 of 4 stars). 4 submissions from 4 submitters: Uncertain significance (4). Last evaluated 2025-09-20.

Conditions:
Inborn genetic diseases. Identifiers: MedGen C0950123, MeSH D030342.
DMXL2-related disorder. Also called: DMXL2-related condition.

Allele frequency attached by ClinVar (database versions not stated): gnomAD 0.00001; gnomAD exomes 0.00001; ExAC 0.00002; TOPMed 0.00003; ESP Exome Variant Server 0.00015.
gnomAD v4.1: 21 of 1,613,986 alleles (0.0013%); highest among the groups gnomAD compares: Middle Eastern, 0.016%; no homozygotes.

Submissions (4):

PreventionGenetics, part of Exact Sciences
Classification: Uncertain significance for DMXL2-related condition. Last evaluated: 2025-09-20. Review status: criteria provided, single submitter. Criteria: ACMG Guidelines, 2015. Collection method: clinical testing. Allele origin: germline.
Comment: The DMXL2 c.4016T>G variant is predicted to result in the amino acid substitution p.Val1339Gly. To our knowledge, this variant has not been reported in the literature. This variant is reported in 0.0026% of alleles in individuals of European (Non-Finnish) descent in gnomAD. At this time, the clinical significance of this variant is uncertain due to the absence of conclusive functional and genetic evidence.

Blueprint Genetics
Classification: Uncertain significance. Last evaluated: 2023-08-25. Review status: criteria provided, single submitter. Criteria: ACMG Guidelines, 2015. Collection method: clinical testing. Allele origin: germline.

Ambry Genetics
Classification: Uncertain significance for Inborn genetic diseases. Last evaluated: 2022-08-11. Review status: criteria provided, single submitter. Criteria: Ambry Variant Classification Scheme 2023. Collection method: clinical testing. Allele origin: germline.

Labcorp Genetics (formerly Invitae), Labcorp
Classification: Uncertain significance. Last evaluated: 2021-12-02. Review status: criteria provided, single submitter. Criteria: Invitae Variant Classification Sherloc (09022015). Collection method: clinical testing. Allele origin: germline.
Comment: This sequence change replaces valine, which is neutral and non-polar, with glycine, which is neutral and non-polar, at codon 1339 of the DMXL2 protein (p.Val1339Gly). This variant is present in population databases (rs200839633, gnomAD 0.003%). This variant has not been reported in the literature in individuals affected with DMXL2-related conditions. Algorithms developed to predict the effect of missense changes on protein structure and function are either unavailable or do not agree on the potential impact of this missense change (SIFT: "Deleterious"; PolyPhen-2: "Benign"; Align-GVGD: "Class C0"). In summary, the available evidence is currently insufficient to determine the role of this variant in disease. Therefore, it has been classified as a Variant of Uncertain Significance.

NM_001378457.1(DMXL2):c.4016T>G (p.Val1339Gly)

Gene: DMXL2 (Dmx like 2; minus strand). Cytogenetic location: 15q21.2.
Variant type: single nucleotide variant.
Coding change: c.4016T>G on transcript NM_001378457.1 (MANE Select); coding-DNA position 4016, T replaced by G.
Protein change: p.Val1339Gly; replaces valine 1339 with glycine.
Molecular consequence: missense variant. On other transcripts: non-coding transcript variant (2), intron variant (2).
Genome position (GRCh38, 1-based): chr15:51,499,208, A>C on the plus strand (T>G on the coding strand, the complement: DMXL2 is on the minus strand). VCF-style: chr15-51499208-A-C. GRCh37 (hg19) VCF-style: chr15-51791405-A-C.
Other names: c.4016T>G, p.Val1339Gly (NM_001174116.3, NM_001378458.1, NM_001378459.1 and 4 more transcripts); c.3776T>G, p.Val1259Gly (NM_001378464.1); c.2765-7461T>G (NM_001378460.1); c.2765-4074T>G (NM_001174117.3); c.4016T>G (NM_001174116.1); short protein forms V1259G, V1339G.
Identifiers: ClinVar variation 1396921 (VCV001396921.8), dbSNP rs200839633, ClinGen allele CA7562078.